The following is an entry in ClinVar:

NM_015001.3(SPEN):c.6399ATC[1] (p.Ser2135del)

Gene: SPEN (spen family transcriptional repressor; plus strand). Cytogenetic location: 1p36.13.
Variant type: Microsatellite.
Coding change: c.6399ATC[1] on transcript NM_015001.3 (MANE Select); one copy of the 3-base unit ATC starting at c.6399; the reference has two copies in a row; one copy, 3 bases deleted.
Protein change: p.Ser2135del; deletes serine 2135.
Molecular consequence: inframe deletion.
Genome position (GRCh38, 1-based): chr1:15,932,642-15,932,644, ATC deleted; deleting any 3 consecutive bases within chr1:15,932,639-15,932,644 gives the same sequence; the position shown is the placement nearest the transcript's 3' end. VCF-style (leftmost placement, unchanged base first): chr1-15932638-TATC-T. GRCh37 (hg19) VCF-style: chr1-16259133-TATC-T.
Other names: short protein forms S2135del.
Identifiers: ClinVar variation 1710844 (VCV001710844.2), dbSNP rs2523085729, ClinGen allele CA2580611419.

ClinVar aggregate classification (germline): Uncertain significance (1 of 4 stars; one submission).

Submission:

GeneDx
Classification: Uncertain significance. Last evaluated: 2022-04-17. Review status: criteria provided, single submitter. Criteria: GeneDx Variant Classification Process June 2021. Collection method: clinical testing. Allele origin: germline. Affected: yes.
Comment: Not observed at significant frequency in large population cohorts (gnomAD); In-frame deletion of 1 amino acids in a non-repeat region; In silico analysis supports that this variant does not alter protein structure/function; Has not been previously published as pathogenic or benign to our knowledge